The following is an entry in ClinVar:

NM_003900.5(SQSTM1):c.787G>A (p.Gly263Arg)

Gene: SQSTM1 (sequestosome 1; plus strand). Cytogenetic location: 5q35.3.
Variant type: single nucleotide variant.
Coding change: c.787G>A on transcript NM_003900.5 (MANE Select); coding-DNA position 787, G replaced by A.
Protein change: p.Gly263Arg; replaces glycine 263 with arginine.
Molecular consequence: missense variant.
Genome position (GRCh38, 1-based): chr5:179,833,064, G>A. VCF-style: chr5-179833064-G-A. GRCh37 (hg19) VCF-style: chr5-179260064-G-A.
Other names: c.535G>A, p.Gly179Arg (NM_001142298.2, NM_001142299.2); short protein forms G179R, G263R.
Identifiers: ClinVar variation 3762586 (VCV003762586.2).

ClinVar aggregate classification (germline): Uncertain significance (1 of 4 stars; one submission).

Conditions:
Frontotemporal dementia and/or amyotrophic lateral sclerosis 1 (FTDALS1). Also called: Frontotemporal dementia with motor neuron disease 1; C9orf72 Frontotemporal Dementia and/or Amyotrophic Lateral Sclerosis. Identifiers: Orphanet 275872, MedGen C5779877, MONDO:0007105, OMIM 105550.
Paget disease of bone 2, early-onset (PDB2). Also called: Paget disease of bone 2. Identifiers: MedGen C4085251, MONDO:0011183, OMIM 602080.

Submission:

Labcorp Genetics (formerly Invitae), Labcorp
Classification: Uncertain significance for Paget disease of bone 2, early-onset; Frontotemporal dementia and/or amyotrophic lateral sclerosis 1. Last evaluated: 2024-08-11. Review status: criteria provided, single submitter. Criteria: Invitae Variant Classification Sherloc (09022015). Collection method: clinical testing. Allele origin: germline.
Comment: This sequence change replaces glycine, which is neutral and non-polar, with arginine, which is basic and polar, at codon 263 of the SQSTM1 protein (p.Gly263Arg). This variant is present in population databases (rs766939503, gnomAD 0.002%). This variant has not been reported in the literature in individuals affected with SQSTM1-related conditions. Advanced modeling of protein sequence and biophysical properties (such as structural, functional, and spatial information, amino acid conservation, physicochemical variation, residue mobility, and thermodynamic stability) has been performed at Invitae for this missense variant, however the output from this modeling did not meet the statistical confidence thresholds required to predict the impact of this variant on SQSTM1 protein function. In summary, the available evidence is currently insufficient to determine the role of this variant in disease. Therefore, it has been classified as a Variant of Uncertain Significance.